The following is an entry in ClinVar:

ClinVar aggregate classification (germline): Uncertain significance (1 of 4 stars; one submission).

Submission:

Labcorp Genetics (formerly Invitae), Labcorp
Classification: Uncertain significance. Last evaluated: 2024-11-03. Review status: criteria provided, single submitter. Criteria: Invitae Variant Classification Sherloc (09022015). Collection method: clinical testing. Allele origin: germline.
Comment: This sequence change replaces tyrosine, which is neutral and polar, with cysteine, which is neutral and slightly polar, at codon 238 of the SLC10A2 protein (p.Tyr238Cys). This variant is not present in population databases (gnomAD no frequency). This variant has not been reported in the literature in individuals affected with SLC10A2-related conditions. Invitae Evidence Modeling of protein sequence and biophysical properties (such as structural, functional, and spatial information, amino acid conservation, physicochemical variation, residue mobility, and thermodynamic stability) indicates that this missense variant is not expected to disrupt SLC10A2 protein function with a negative predictive value of 80%. In summary, the available evidence is currently insufficient to determine the role of this variant in disease. Therefore, it has been classified as a Variant of Uncertain Significance.

NM_000452.3(SLC10A2):c.713A>G (p.Tyr238Cys)

Gene: SLC10A2 (solute carrier family 10 member 2; minus strand). Cytogenetic location: 13q33.1.
Variant type: single nucleotide variant.
Coding change: c.713A>G on transcript NM_000452.3 (MANE Select); coding-DNA position 713, A replaced by G.
Protein change: p.Tyr238Cys; replaces tyrosine 238 with cysteine.
Molecular consequence: missense variant.
Genome position (GRCh38, 1-based): chr13:103,051,305, T>C on the plus strand (A>G on the coding strand, the complement: SLC10A2 is on the minus strand). VCF-style: chr13-103051305-T-C. GRCh37 (hg19) VCF-style: chr13-103703655-T-C.
Other names: short protein forms Y238C.
Identifiers: ClinVar variation 3666926 (VCV003666926.2).